The following is an entry in ClinVar:

ClinVar aggregate classification (germline): Uncertain significance (1 of 4 stars; one submission).

Submission:

Labcorp Genetics (formerly Invitae), Labcorp
Classification: Uncertain significance. Last evaluated: 2022-02-17. Review status: criteria provided, single submitter. Criteria: Invitae Variant Classification Sherloc (09022015). Collection method: clinical testing. Allele origin: germline.
Comment: In summary, the available evidence is currently insufficient to determine the role of this variant in disease. Therefore, it has been classified as a Variant of Uncertain Significance. Algorithms developed to predict the effect of missense changes on protein structure and function (SIFT, PolyPhen-2, Align-GVGD) all suggest that this variant is likely to be disruptive. This variant has not been reported in the literature in individuals affected with LAMB1-related conditions. This variant is not present in population databases (gnomAD no frequency). This sequence change replaces cysteine, which is neutral and slightly polar, with glycine, which is neutral and non-polar, at codon 460 of the LAMB1 protein (p.Cys460Gly).

NM_002291.3(LAMB1):c.1378T>G (p.Cys460Gly)

Gene: LAMB1 (laminin subunit beta 1; minus strand). Cytogenetic location: 7q31.1.
Variant type: single nucleotide variant.
Coding change: c.1378T>G on transcript NM_002291.3 (MANE Select); coding-DNA position 1378, T replaced by G.
Protein change: p.Cys460Gly; replaces cysteine 460 with glycine.
Molecular consequence: missense variant.
Genome position (GRCh38, 1-based): chr7:107,975,090, A>C on the plus strand (T>G on the coding strand, the complement: LAMB1 is on the minus strand). VCF-style: chr7-107975090-A-C. GRCh37 (hg19) VCF-style: chr7-107615535-A-C.
Other names: short protein forms C460G.
Identifiers: ClinVar variation 2093726 (VCV002093726.4), dbSNP rs2535484690, ClinGen allele CA368876753.